The following is an entry in ClinVar:

ClinVar aggregate classification (germline): Uncertain significance (1 of 4 stars; one submission).

Conditions:
Dilated cardiomyopathy 1HH (CMD1HH). Identifiers: Orphanet 154, MedGen C3151293, MONDO:0013479, OMIM 613881.
Myofibrillar myopathy 6. Identifiers: Orphanet 199340, MedGen C2751831, MONDO:0013061, OMIM 612954.

Submission:

Labcorp Genetics (formerly Invitae), Labcorp
Classification: Uncertain significance for Dilated cardiomyopathy 1HH; Myofibrillar myopathy 6. Last evaluated: 2022-06-14. Review status: criteria provided, single submitter. Criteria: Invitae Variant Classification Sherloc (09022015). Collection method: clinical testing. Allele origin: germline.
Comment: In summary, the available evidence is currently insufficient to determine the role of this variant in disease. Therefore, it has been classified as a Variant of Uncertain Significance. This variant is not present in population databases (gnomAD no frequency). This sequence change replaces alanine, which is neutral and non-polar, with threonine, which is neutral and polar, at codon 156 of the BAG3 protein (p.Ala156Thr). This variant has not been reported in the literature in individuals affected with BAG3-related conditions. Algorithms developed to predict the effect of missense changes on protein structure and function output the following: SIFT: "Deleterious"; PolyPhen-2: "Benign"; Align-GVGD: "Class C0". The threonine amino acid residue is found in multiple mammalian species, which suggests that this missense change does not adversely affect protein function.

NM_004281.4(BAG3):c.466G>A (p.Ala156Thr)

Gene: BAG3 (BAG cochaperone 3; plus strand). Cytogenetic location: 10q26.11.
Variant type: single nucleotide variant.
Coding change: c.466G>A on transcript NM_004281.4 (MANE Select); coding-DNA position 466, G replaced by A.
Protein change: p.Ala156Thr; replaces alanine 156 with threonine.
Molecular consequence: missense variant.
Genome position (GRCh38, 1-based): chr10:119,670,136, G>A. VCF-style: chr10-119670136-G-A. GRCh37 (hg19) VCF-style: chr10-121429648-G-A.
Other names: short protein forms A156T.
Identifiers: ClinVar variation 2006507 (VCV002006507.4), dbSNP rs2494009854, ClinGen allele CA378295149.
Genomic context (GRCh38, chr10:119,670,136, plus strand): 5'-TCACCTCTGCGGGGCATGCCAGAAACCACTCAGCCAGATAAACAGTGTGGACAGGTGGCA[G>A]CGGCGGCGGCAGCCCAGCCCCCAGCCTCCCACGGACCTGAGGTAAGGAGAGGCCAGGCTC-3'
Protein context (NP_004272.2, residues 146-166): QPDKQCGQVA[Ala156Thr]AAAAQPPASH